The following is an entry in ClinVar:

NM_001098.3(ACO2):c.1999G>A (p.Glu667Lys)

Genes: ACO2 (aconitase 2; plus strand), POLR3H (RNA polymerase III subunit H; minus strand). Cytogenetic location: 22q13.2.
Variant type: single nucleotide variant.
Coding change: c.1999G>A on transcript NM_001098.3 (MANE Select); coding-DNA position 1999, G replaced by A.
Protein change: p.Glu667Lys; replaces glutamic acid 667 with lysine.
Molecular consequence: missense variant. On other transcripts: 3 prime UTR variant (5).
Genome position (GRCh38, 1-based): chr22:41,527,333, G>A. VCF-style: chr22-41527333-G-A. GRCh37 (hg19) VCF-style: chr22-41923337-G-A.
Other names: c.*1950C>T (NM_001018050.4, NM_001018052.4, NM_001282884.2 and 2 more transcripts); short protein forms E667K.
Identifiers: ClinVar variation 1444087 (VCV001444087.7), dbSNP rs2066622306, ClinGen allele CA411728889.

ClinVar aggregate classification (germline): Uncertain significance. Review status: criteria provided, multiple submitters, no conflicts (2 of 4 stars). 2 submissions from 2 submitters: Uncertain significance (2). Last evaluated 2021-10-25.

Allele frequency attached by ClinVar (database versions not stated): gnomAD exomes below 0.00001; TOPMed 0.00001.
gnomAD v4.1: 4 of 1,614,100 alleles (0.00025%); highest among the groups gnomAD compares: Non-Finnish European, 0.00034%; no homozygotes.

Submissions (2):

Labcorp Genetics (formerly Invitae), Labcorp
Classification: Uncertain significance. Last evaluated: 2021-10-25. Review status: criteria provided, single submitter. Criteria: Invitae Variant Classification Sherloc (09022015). Collection method: clinical testing. Allele origin: germline.
Comment: In summary, the available evidence is currently insufficient to determine the role of this variant in disease. Therefore, it has been classified as a Variant of Uncertain Significance. This sequence change replaces glutamic acid, which is acidic and polar, with lysine, which is basic and polar, at codon 667 of the ACO2 protein (p.Glu667Lys). This variant is not present in population databases (gnomAD no frequency). This missense change has been observed in individual(s) with optic atrophy (PMID: 31509793). Advanced modeling of protein sequence and biophysical properties (such as structural, functional, and spatial information, amino acid conservation, physicochemical variation, residue mobility, and thermodynamic stability) performed at Invitae indicates that this missense variant is expected to disrupt ACO2 protein function.

Blueprint Genetics
Classification: Uncertain significance. Last evaluated: 2020-10-30. Review status: criteria provided, single submitter. Criteria: ACMG Guidelines, 2015. Collection method: clinical testing. Allele origin: germline.

Literature cited by the submitters: PubMed 31509793 (cited by Labcorp Genetics (formerly Invitae), Labcorp).